The following is an entry in ClinVar:

ClinVar aggregate classification (germline): Uncertain significance. Review status: criteria provided, multiple submitters, no conflicts (2 of 4 stars). 3 submissions from 3 submitters: Uncertain significance (3). Last evaluated 2025-12-08.

Conditions:
Hereditary cancer-predisposing syndrome. Also called: Hereditary neoplastic syndrome; Neoplastic Syndromes, Hereditary; Tumor predisposition; Hereditary Cancer Syndrome. Identifiers: Orphanet 140162, MedGen C0027672, MeSH D009386, MONDO:0015356.

Allele frequency attached by ClinVar (database versions not stated): gnomAD 0.00001; TOPMed 0.00001.

Submissions (3):

Labcorp Genetics (formerly Invitae), Labcorp
Classification: Uncertain significance. Last evaluated: 2025-12-08. Review status: criteria provided, single submitter. Criteria: Invitae Variant Classification Sherloc (09022015). Collection method: clinical testing. Allele origin: germline.
Comment: This sequence change replaces arginine, which is basic and polar, with cysteine, which is neutral and slightly polar, at codon 10 of the POLE protein (p.Arg10Cys). This variant is not present in population databases (gnomAD no frequency). This variant has not been reported in the literature in individuals affected with POLE-related conditions. ClinVar contains an entry for this variant (Variation ID: 560842). Experimental studies and prediction algorithms are not available or were not evaluated, and the functional significance of this variant is currently unknown. In summary, the available evidence is currently insufficient to determine the role of this variant in disease. Therefore, it has been classified as a Variant of Uncertain Significance.

Ambry Genetics
Classification: Uncertain significance for Hereditary cancer-predisposing syndrome. Last evaluated: 2023-11-22. Review status: criteria provided, single submitter. Criteria: Ambry Variant Classification Scheme 2023. Collection method: clinical testing. Allele origin: germline.
Comment: The p.R10C variant (also known as c.28C>T), located in coding exon 1 of the POLE gene, results from a C to T substitution at nucleotide position 28. The arginine at codon 10 is replaced by cysteine, an amino acid with highly dissimilar properties. This amino acid position is conserved. In addition, this alteration is predicted to be tolerated by in silico analysis. Since supporting evidence is limited at this time, the clinical significance of this alteration remains unclear.

PreventionGenetics, part of Exact Sciences
Classification: Uncertain significance. Last evaluated: 2017-05-25. Review status: criteria provided, single submitter. Criteria: ACMG Guidelines, 2015. Collection method: clinical testing. Allele origin: germline.

NM_006231.4(POLE):c.28C>T (p.Arg10Cys)

Genes: POLE (DNA polymerase epsilon, catalytic subunit; minus strand), LOC130009266 (ATAC-STARR-seq lymphoblastoid silent region 5123; plus strand). Cytogenetic location: 12q24.33.
Variant type: single nucleotide variant.
Coding change: c.28C>T on transcript NM_006231.4 (MANE Select); coding-DNA position 28, C replaced by T.
Protein change: p.Arg10Cys; replaces arginine 10 with cysteine.
Molecular consequence: missense variant.
Genome position (GRCh38, 1-based): chr12:132,687,288, G>A on the plus strand (C>T on the coding strand, the complement: POLE is on the minus strand). VCF-style: chr12-132687288-G-A. GRCh37 (hg19) VCF-style: chr12-133263874-G-A.
Other names: c.28C>T (NM_006231.2); short protein forms R10C.
Identifiers: ClinVar variation 560842 (VCV000560842.10), dbSNP rs1245695191, ClinGen allele CA387373449.